The following is an entry in ClinVar:

NM_000080.4(CHRNE):c.1326+2T>C

Gene: CHRNE (cholinergic receptor nicotinic epsilon subunit; minus strand). Cytogenetic location: 17p13.2.
Variant type: single nucleotide variant.
Coding change: c.1326+2T>C on transcript NM_000080.4 (MANE Select); the canonical splice donor site of the intron after coding-DNA position 1326, T replaced by C.
Molecular consequence: splice donor variant.
Genome position (GRCh38, 1-based): chr17:4,898,999, A>G on the plus strand (T>C on the coding strand, the complement: CHRNE is on the minus strand). VCF-style: chr17-4898999-A-G. GRCh37 (hg19) VCF-style: chr17-4802294-A-G.
Identifiers: ClinVar variation 1455044 (VCV001455044.6), dbSNP rs1597613279, ClinGen allele CA397298059.

ClinVar aggregate classification (germline): Pathogenic (1 of 4 stars; one submission).

Conditions:
Congenital myasthenic syndrome 4A. Also called: Myasthenic syndrome, congenital, 4a, slow-channel; CONGENITAL MYASTHENIC SYNDROME TYPE Ia1; MYASTHENIC SYNDROME, CONGENITAL, 4A, SLOW-CHANNEL, AUTOSOMAL RECESSIVE. Identifiers: Orphanet 590, MedGen C4225413, MONDO:0011600, OMIM 605809.

Allele frequency attached by ClinVar (database versions not stated): gnomAD exomes below 0.00001.

Submission:

Labcorp Genetics (formerly Invitae), Labcorp
Classification: Pathogenic for Congenital myasthenic syndrome 4A. Last evaluated: 2021-11-12. Review status: criteria provided, single submitter. Criteria: Invitae Variant Classification Sherloc (09022015). Collection method: clinical testing. Allele origin: germline.
Comment: This sequence change affects a donor splice site in intron 11 of the CHRNE gene. While this variant is not anticipated to result in nonsense mediated decay, it likely alters RNA splicing and results in a disrupted protein product. This variant is not present in population databases (gnomAD no frequency). This variant has not been reported in the literature in individuals affected with CHRNE-related conditions. Variants that disrupt the consensus splice site are a relatively common cause of aberrant splicing (PMID: 17576681, 9536098). Algorithms developed to predict the effect of sequence changes on RNA splicing suggest that this variant may disrupt the consensus splice site. This variant disrupts a region of the CHRNE protein in which other variant(s) (p.Asn452Glufs*4) have been determined to be pathogenic (PMID: 8957026, 15951177, 19064877, 21175599, 28024842, 29054425). This suggests that this is a clinically significant region of the protein, and that variants that disrupt it are likely to be disease-causing. For these reasons, this variant has been classified as Pathogenic.

Literature cited by the submitters: PubMed 17576681; PubMed 9536098; PubMed 8957026; PubMed 15951177; PubMed 19064877; PubMed 21175599; PubMed 28024842; PubMed 29054425.